The following is an entry in ClinVar:

ClinVar aggregate classification (germline): Uncertain significance (1 of 4 stars; one submission).

Submission:

Women's Health and Genetics/Laboratory Corporation of America, LabCorp
Classification: Uncertain significance. Last evaluated: 2024-03-15. Review status: criteria provided, single submitter. Criteria: LabCorp Variant Classification Summary - May 2015. Collection method: clinical testing. Allele origin: germline.
Comment: Variant summary: The variant involves the duplication of exons 1-3 in the MTRFR gene (also known as C12orf65). This duplication includes the entire coding sequence of the gene. As exact breakpoints are unknown, it may extend beyond the annotated region of the gene, to include other flanking genes. A presumed nomenclature of c.(?_-125)_(*930_?)dup has been designated for the purposes of this classification. Similar variant allele was found at a frequency of 4.6e-05 in 21694 control chromosomes (gnomAD, Structural variants data set). The available data on variant occurrences in the general population are insufficient to allow any conclusion about variant significance. To our knowledge, no occurrence of c.(?_-125)_(*930_?)dup in individuals affected with Combined Oxidative Phosphorylation Defect Type 7 and no experimental evidence demonstrating its impact on protein function have been reported. ClinVar contains an entry for this variant (Variation ID: 832824). Based on the evidence outlined above, the variant was classified as uncertain significance.

NC_000012.11:g.(?_123717982)_(123742508_?)dup

Gene: MTRFR (mitochondrial translation release factor in rescue; plus strand). Cytogenetic location: 12q24.31.
Variant type: Duplication.
Identifiers: ClinVar variation 3233935 (VCV003233935.2).